The following is an entry in ClinVar:

NM_144672.4(OTOA):c.2019C>T (p.Asp673=)

Gene: OTOA (otoancorin). Cytogenetic location: 16p12.2.
Variant type: single nucleotide variant.
Coding change: c.2019C>T on transcript NM_144672.4 (MANE Select); coding-DNA position 2019, C replaced by T.
Protein change: p.Asp673=; no amino-acid change (aspartic acid 673 retained).
Molecular consequence: synonymous variant.
Genome position (GRCh38, 1-based): chr16:21,728,243, C>T. VCF-style: chr16-21728243-C-T. GRCh37 (hg19) VCF-style: chr16-21739564-C-T.
Other names: c.1782C>T, p.Asp594= (NM_001161683.2); c.1047C>T, p.Asp349= (NM_170664.3).
Identifiers: ClinVar variation 178500 (VCV000178500.8), dbSNP rs147901051, ClinGen allele CA182446.

ClinVar aggregate classification (germline): Benign/Likely benign. Review status: criteria provided, multiple submitters, no conflicts (2 of 4 stars). 2 submissions from 2 submitters: Benign (1); Likely benign (1). Last evaluated 2024-03-01.

Allele frequency attached by ClinVar (database versions not stated): gnomAD exomes 0.00003 and 0.00008; ESP Exome Variant Server 0.00008; ExAC 0.00011; 1000 Genomes Project 30x 0.00016; 1000 Genomes Project 0.00020; TOPMed 0.00020; gnomAD 0.00022.
gnomAD v4.1: 77 of 1,614,134 alleles (0.0048%); highest among the groups gnomAD compares: African/African-American, 0.065%; 1 homozygote.

Submissions (2):

Labcorp Genetics (formerly Invitae), Labcorp
Classification: Benign. Last evaluated: 2024-03-01. Review status: criteria provided, single submitter. Criteria: Invitae Variant Classification Sherloc (09022015). Collection method: clinical testing. Allele origin: germline.

Laboratory for Molecular Medicine, Mass General Brigham Personalized Medicine
Classification: Likely benign. Last evaluated: 2012-04-30. Review status: criteria provided, single submitter. Criteria: LMM Criteria. Collection method: clinical testing. Allele origin: germline. Observed: 1 variant allele.
Comment: Asp673Asp in Exon 19 of OTOA: This variant is not expected to have clinical sign ificance because it does not alter an amino acid residue, is not located within the splice consensus sequence, and has been identified in 1/3738 African America n chromosomes from a broad population by the NHLBI Exome Sequencing Project (dbSNP rs147901051).